The following is an entry in ClinVar:

ClinVar aggregate classification (germline): Benign/Likely benign. Review status: criteria provided, multiple submitters, no conflicts (2 of 4 stars). 3 submissions from 3 submitters: Benign (1); Likely benign (2). Last evaluated 2026-01-24.

Conditions:
Joubert syndrome. Also called: Familial aplasia of the vermis; JOUBERT-BOLTSHAUSER SYNDROME. Identifiers: Orphanet 475, MedGen C5979921, MONDO:0018772.
Meckel-Gruber syndrome. Also called: DYSENCEPHALIA SPLANCHNOCYSTICA; GRUBER SYNDROME; Dysencephalia splachnocystica. Identifiers: Orphanet 564, MedGen C0265215, MONDO:0018921.

Allele frequency attached by ClinVar (database versions not stated): TOPMed 0.00010; gnomAD 0.00011 and 0.00012.
gnomAD v4.1: 97 of 1,609,796 alleles (0.006%); highest among the groups gnomAD compares: East Asian, 0.031%; 2 homozygotes.

Submissions (3):

Labcorp Genetics (formerly Invitae), Labcorp
Classification: Benign for Joubert syndrome; Meckel-Gruber syndrome. Last evaluated: 2026-01-24. Review status: criteria provided, single submitter. Criteria: Invitae Variant Classification Sherloc (09022015). Collection method: clinical testing. Allele origin: germline.

Blueprint Genetics
Classification: Likely benign. Last evaluated: 2024-11-25. Review status: criteria provided, single submitter. Criteria: ACMG Guidelines, 2015. Collection method: clinical testing. Allele origin: germline.

GeneDx
Classification: Likely benign. Last evaluated: 2018-03-27. Review status: criteria provided, single submitter. Criteria: GeneDx Variant Classification (06012015). Collection method: clinical testing. Allele origin: germline. Affected: yes.
Comment: This variant is considered likely benign or benign based on one or more of the following criteria: it is a conservative change, it occurs at a poorly conserved position in the protein, it is predicted to be benign by multiple in silico algorithms, and/or has population frequency not consistent with disease.

NM_015681.6(B9D1):c.245-19C>A

Gene: B9D1 (B9 domain containing 1; minus strand). Cytogenetic location: 17p11.2.
Variant type: single nucleotide variant.
Coding change: c.245-19C>A on transcript NM_015681.6 (MANE Select); 19 bases into the intron before coding-DNA position 245, C replaced by A.
Molecular consequence: intron variant.
Genome position (GRCh38, 1-based): chr17:19,347,899, G>T on the plus strand (C>A on the coding strand, the complement: B9D1 is on the minus strand). VCF-style: chr17-19347899-G-T. GRCh37 (hg19) VCF-style: chr17-19251212-G-T.
Other names: c.-116-19C>A (NM_001368769.2); c.245-19C>A (NM_001321219.2, NM_001321218.2, NM_001321217.2 and 4 more transcripts).
Identifiers: ClinVar variation 681104 (VCV000681104.10), dbSNP rs774504181, ClinGen allele CA8440297.